The following is an entry in ClinVar:

NM_002691.4(POLD1):c.2287T>G (p.Phe763Val)

Gene: POLD1 (DNA polymerase delta 1, catalytic subunit; plus strand). Cytogenetic location: 19q13.33.
Variant type: single nucleotide variant.
Coding change: c.2287T>G on transcript NM_002691.4 (MANE Select); coding-DNA position 2287, T replaced by G.
Protein change: p.Phe763Val; replaces phenylalanine 763 with valine.
Molecular consequence: missense variant. On other transcripts: non-coding transcript variant (1).
Genome position (GRCh38, 1-based): chr19:50,413,778, T>G. VCF-style: chr19-50413778-T-G. GRCh37 (hg19) VCF-style: chr19-50917035-T-G.
Other names: c.2287T>G, p.Phe763Val (NM_001256849.1); c.2365T>G, p.Phe789Val (NM_001308632.1); short protein forms F763V, F789V.
Identifiers: ClinVar variation 3639361 (VCV003639361.2).

ClinVar aggregate classification (germline): Uncertain significance (1 of 4 stars; one submission).

Conditions:
POLD1-related polyposis and colorectal cancer syndrome (CRCS10). Also called: Colorectal cancer 10; COLORECTAL CANCER, SUSCEPTIBILITY TO, ON CHROMOSOME 19q; Colorectal cancer, susceptibility to, 10. Identifiers: Orphanet 220460, MedGen C2675481, MONDO:0012953, OMIM 612591.

Submission:

Labcorp Genetics (formerly Invitae), Labcorp
Classification: Uncertain significance for POLD1-related polyposis and colorectal cancer syndrome. Last evaluated: 2024-02-07. Review status: criteria provided, single submitter. Criteria: Invitae Variant Classification Sherloc (09022015). Collection method: clinical testing. Allele origin: germline.
Comment: This sequence change replaces phenylalanine, which is neutral and non-polar, with valine, which is neutral and non-polar, at codon 763 of the POLD1 protein (p.Phe763Val). This variant is not present in population databases (gnomAD no frequency). This variant has not been reported in the literature in individuals affected with POLD1-related conditions. Advanced modeling of protein sequence and biophysical properties (such as structural, functional, and spatial information, amino acid conservation, physicochemical variation, residue mobility, and thermodynamic stability) performed at Invitae indicates that this missense variant is expected to disrupt POLD1 protein function with a positive predictive value of 80%. In summary, the available evidence is currently insufficient to determine the role of this variant in disease. Therefore, it has been classified as a Variant of Uncertain Significance.